The following is an entry in ClinVar:

NM_001258392.3(CLPB):c.1832A>T (p.Asp611Val)

Gene: CLPB (ClpB family mitochondrial disaggregase; minus strand). Cytogenetic location: 11q13.4.
Variant type: single nucleotide variant.
Coding change: c.1832A>T on transcript NM_001258392.3 (MANE Select); coding-DNA position 1832, A replaced by T.
Protein change: p.Asp611Val; replaces aspartic acid 611 with valine.
Molecular consequence: missense variant.
Genome position (GRCh38, 1-based): chr11:72,293,569, T>A on the plus strand (A>T on the coding strand, the complement: CLPB is on the minus strand). VCF-style: chr11-72293569-T-A. GRCh37 (hg19) VCF-style: chr11-72004613-T-A.
Other names: c.1745A>T, p.Asp582Val (NM_001258393.3); c.1787A>T, p.Asp596Val (NM_001258394.3); c.1922A>T, p.Asp641Val (NM_030813.6); short protein forms D611V, D596V, D582V, D641V.
Identifiers: ClinVar variation 1485642 (VCV001485642.17), dbSNP rs767839493, ClinGen allele CA6171015.

ClinVar aggregate classification (germline): Uncertain significance. Review status: criteria provided, multiple submitters, no conflicts (2 of 4 stars). 3 submissions from 3 submitters: Uncertain significance (3). Last evaluated 2025-06-01.

Conditions:
3-methylglutaconic aciduria, type VIIB (MGCA7B). Also called: 3-methylglutaconic aciduria, type VII, with cataracts, neurologic involvement and neutropenia; CLPB Deficiency; 3-methylglutaconic aciduria with cataracts, neurologic involvement and neutropenia. Identifiers: Orphanet 445038, MedGen C5676893, MONDO:0014561, OMIM 616271.

Allele frequency attached by ClinVar (database versions not stated): gnomAD exomes below 0.00001; ExAC 0.00001.

Submissions (3):

CeGaT Center for Human Genetics Tuebingen
Classification: Uncertain significance. Last evaluated: 2025-06-01. Review status: criteria provided, single submitter. Criteria: CeGaT Center For Human Genetics Tuebingen Variant Classification Criteria Version 2. Collection method: clinical testing. Allele origin: germline. Affected: yes. Observed: 1 variant allele.
Comment: CLPB: PM2

Blueprint Genetics
Classification: Uncertain significance. Last evaluated: 2023-08-15. Review status: criteria provided, single submitter. Criteria: ACMG Guidelines, 2015. Collection method: clinical testing. Allele origin: germline.

Labcorp Genetics (formerly Invitae), Labcorp
Classification: Uncertain significance for 3-methylglutaconic aciduria, type VIIB. Last evaluated: 2021-04-09. Review status: criteria provided, single submitter. Criteria: Invitae Variant Classification Sherloc (09022015). Collection method: clinical testing. Allele origin: germline.
Comment: This variant has not been reported in the literature in individuals with CLPB-related conditions. Algorithms developed to predict the effect of missense changes on protein structure and function are either unavailable or do not agree on the potential impact of this missense change (SIFT: "Deleterious"; PolyPhen-2: "Possibly Damaging"; Align-GVGD: "Class C0"). Algorithms developed to predict the effect of sequence changes on RNA splicing suggest that this variant may create or strengthen a splice site, but this prediction has not been confirmed by published transcriptional studies. In summary, the available evidence is currently insufficient to determine the role of this variant in disease. Therefore, it has been classified as a Variant of Uncertain Significance. This variant is present in population databases (rs767839493, ExAC 0.002%). This sequence change replaces aspartic acid with valine at codon 641 of the CLPB protein (p.Asp641Val). The aspartic acid residue is moderately conserved and there is a large physicochemical difference between aspartic acid and valine.